The following is an entry in ClinVar:

NM_000448.3(RAG1):c.799G>A (p.Ala267Thr)

Gene: RAG1 (recombination activating 1; plus strand). Cytogenetic location: 11p12.
Variant type: single nucleotide variant.
Coding change: c.799G>A on transcript NM_000448.3 (MANE Select); coding-DNA position 799, G replaced by A.
Protein change: p.Ala267Thr; replaces alanine 267 with threonine.
Molecular consequence: missense variant.
Genome position (GRCh38, 1-based): chr11:36,574,103, G>A. VCF-style: chr11-36574103-G-A. GRCh37 (hg19) VCF-style: chr11-36595653-G-A.
Other names: c.799G>A, p.Ala267Thr (NM_001377277.1, NM_001377278.1, NM_001377279.1 and 1 more transcripts); short protein forms A267T.
Identifiers: ClinVar variation 304499 (VCV000304499.11), dbSNP rs148393376, ClinGen allele CA5950056.
Genomic context (GRCh38, chr11:36,574,103, plus strand): 5'-CGTCAGCACAAGAGAAGAGCTCAGGCAAGGATCAGCAGCAAGGATGTCATGAAGAAGATC[G>A]CCAACTGCAGTAAGATACATCTTAGTACCAAGCTCCTTGCAGTGGACTTCCCAGAGCACT-3'
Protein context (NP_000439.2, residues 257-277): ISSKDVMKKI[Ala267Thr]NCSKIHLSTK

ClinVar aggregate classification (germline): Uncertain significance. Review status: criteria provided, multiple submitters, no conflicts (2 of 4 stars). 3 submissions from 2 submitters: Uncertain significance (3). Last evaluated 2021-08-31.

Conditions:
Histiocytic medullary reticulosis. Also called: SEVERE COMBINED IMMUNODEFICIENCY WITH HYPEREOSINOPHILIA; Omenn syndrome. Identifiers: Orphanet 39041, MedGen C2700553, MONDO:0011338, OMIM 603554.
Severe combined immunodeficiency, autosomal recessive, T cell-negative, B cell-negative, NK cell-positive. Also called: SCID, T CELL-NEGATIVE, B CELL-NEGATIVE, NK CELL-POSITIVE; SCID, AR, T-cell negative, B-cell negative, NK cell-positive; Severe combined immunodeficiency due to complete RAG1/2 deficiency. Identifiers: Orphanet 331206, MedGen C1832322, MONDO:0011086, OMIM 601457.
Combined immunodeficiency with skin granulomas. Identifiers: Orphanet 157949, MedGen C2673536, MONDO:0009306, OMIM 233650.

Allele frequency attached by ClinVar (database versions not stated): TOPMed 0.00002; gnomAD 0.00003 and 0.00004; gnomAD exomes 0.00003; ESP Exome Variant Server 0.00008; 1000 Genomes Project 30x 0.00016; 1000 Genomes Project 0.00020.

Submissions (3):

Labcorp Genetics (formerly Invitae), Labcorp
Classification: Uncertain significance for Combined immunodeficiency with skin granulomas; Severe combined immunodeficiency, autosomal recessive, T cell-negative, B cell-negative, NK cell-positive. Last evaluated: 2021-08-31. Review status: criteria provided, single submitter. Criteria: Invitae Variant Classification Sherloc (09022015). Collection method: clinical testing. Allele origin: germline.
Comment: This sequence change replaces alanine with threonine at codon 267 of the RAG1 protein (p.Ala267Thr). The alanine residue is weakly conserved and there is a small physicochemical difference between alanine and threonine. This variant is present in population databases (rs148393376, ExAC 0.02%). This variant has not been reported in the literature in individuals affected with RAG1-related conditions. ClinVar contains an entry for this variant (Variation ID: 304499). Algorithms developed to predict the effect of missense changes on protein structure and function output the following: SIFT: "Tolerated"; PolyPhen-2: "Benign"; Align-GVGD: "Class C0". The threonine amino acid residue is found in multiple mammalian species, which suggests that this missense change does not adversely affect protein function. In summary, the available evidence is currently insufficient to determine the role of this variant in disease. Therefore, it has been classified as a Variant of Uncertain Significance.

Illumina Laboratory Services, Illumina
Classification: Uncertain significance for Severe combined immunodeficiency, autosomal recessive, T cell-negative, B cell-negative, NK cell-positive. Last evaluated: 2018-01-13. Review status: criteria provided, single submitter. Criteria: ICSL Variant Classification Criteria 13 December 2019. Collection method: clinical testing. Allele origin: germline.

Illumina Laboratory Services, Illumina
Classification: Uncertain significance for Histiocytic medullary reticulosis. Last evaluated: 2018-01-13. Review status: criteria provided, single submitter. Criteria: ICSL Variant Classification Criteria 13 December 2019. Collection method: clinical testing. Allele origin: germline.